The following is an entry in ClinVar:

ClinVar aggregate classification (germline): Pathogenic (1 of 4 stars; one submission).

Conditions:
Lynch syndrome 4 (LYNCH4). Also called: Hereditary non-polyposis colorectal cancer, type 4; Colorectal cancer, hereditary nonpolyposis, type 4. Identifiers: Orphanet 144, MedGen C1838333, MONDO:0013699, OMIM 614337. Disease mechanism: loss of function.

Submission:

Myriad Genetics, Inc.
Classification: Pathogenic for Lynch syndrome 4. Last evaluated: 2023-09-20. Review status: criteria provided, single submitter. Criteria: Myriad Autosomal Dominant, Autosomal Recessive and X-Linked Classification Criteria (2023). Collection method: clinical testing. Allele origin: unknown.
Comment: This variant is considered pathogenic. This variant creates a frameshift predicted to result in premature protein truncation.

NM_000535.7(PMS2):c.1408delinsTGTCTTCTAGCACTTCAGGTGCCATCTCTGACAAAGGCGTCCTGAGA (p.Pro470delinsCysLeuLeuAlaLeuGlnValProSerLeuThrLysAlaSerTer)

Gene: PMS2 (PMS1 homolog 2, mismatch repair system component; minus strand). Cytogenetic location: 7p22.1.
Variant type: Indel.
Coding change: c.1408delinsTGTCTTCTAGCACTTCAGGTGCCATCTCTGACAAAGGCGTCCTGAGA on transcript NM_000535.7 (MANE Select); coding-DNA position 1408, the reference bases replaced by an inserted sequence.
Protein change: p.Pro470delinsCysLeuLeuAlaLeuGlnValProSerLeuThrLysAlaSerTer.
Molecular consequence: nonsense. On other transcripts: frameshift variant (1), non-coding transcript variant (1), intron variant (1).
Genome position (GRCh38, 1-based): chr7:5,987,357, one base replaced. GRCh37 (hg19), VCF-style position (the base before the change): chr7:6,026,988.
Other names: c.1003delCinsTGTCTTCTAGCACTTCAGGTGCCATCTCTGACAAAGGCGTCCTGAGA, p.Pro335Cysfs (NM_001018040.1); c.1003delinsTGTCTTCTAGCACTTCAGGTGCCATCTCTGACAAAGGCGTCCTGAGA, p.Pro335delinsCysLeuLeuAlaLeuGlnValProSerLeuThrLysAlaSerTer (NM_001322003.2, NM_001322004.2, NM_001322005.2 and 16 more transcripts); c.1252delinsTGTCTTCTAGCACTTCAGGTGCCATCTCTGACAAAGGCGTCCTGAGA, p.Pro418delinsCysLeuLeuAlaLeuGlnValProSerLeuThrLysAlaSerTer (NM_001322006.2, NM_001406870.1); c.1090delinsTGTCTTCTAGCACTTCAGGTGCCATCTCTGACAAAGGCGTCCTGAGA, p.Pro364delinsCysLeuLeuAlaLeuGlnValProSerLeuThrLysAlaSerTer (NM_001322007.2, NM_001322008.2, NM_001406876.1 and 2 more transcripts); c.847delinsTGTCTTCTAGCACTTCAGGTGCCATCTCTGACAAAGGCGTCCTGAGA, p.Pro283delinsCysLeuLeuAlaLeuGlnValProSerLeuThrLysAlaSerTer (NM_001322010.2, NM_001406906.1, NM_001406907.1); c.475delinsTGTCTTCTAGCACTTCAGGTGCCATCTCTGACAAAGGCGTCCTGAGA, p.Pro159delinsCysLeuLeuAlaLeuGlnValProSerLeuThrLysAlaSerTer (NM_001322011.2, NM_001322012.2); c.835delinsTGTCTTCTAGCACTTCAGGTGCCATCTCTGACAAAGGCGTCCTGAGA, p.Pro279delinsCysLeuLeuAlaLeuGlnValProSerLeuThrLysAlaSerTer (NM_001322013.2, NM_001406909.1); c.1408delinsTGTCTTCTAGCACTTCAGGTGCCATCTCTGACAAAGGCGTCCTGAGA, p.Pro470delinsCysLeuLeuAlaLeuGlnValProSerLeuThrLysAlaSerTer (NM_001322014.2, NM_001406871.1, NM_001406872.1); and 14 more.
Identifiers: ClinVar variation 2674273 (VCV002674273.1), dbSNP rs1554297781, ClinGen allele CA2695198442.
Genomic context (GRCh38, chr7:5,987,357, plus strand): 5'-CCTCCGCTCTGTCCGTAGGGTCACTGGGTCCGTGACTGGAACTCACTGCCTCTTTCTGAG[G>TCTCAGGACGCCTTTGTCAGAGATGGCACCTGAAGTGCTAGAAGACA]TCTCAGGACGCCTTTGTCAGAGATGGCACCTGAAGTGCTAGAAGACAGCATACCCCTTTT-3'